The following is an entry in ClinVar:

NM_001164508.2(NEB):c.17423_17427del (p.Gln5808fs)

Gene: NEB (nebulin; minus strand). Cytogenetic location: 2q23.3.
Variant type: Deletion.
Coding change: c.17423_17427del on transcript NM_001164508.2 (MANE Select); coding-DNA positions 17423 to 17427, 5 bases deleted (AGAGC; older notation c.17423_17427delAGAGC).
Protein change: p.Gln5808fs; shifts the reading frame from glutamine 5808.
Molecular consequence: frameshift variant.
Genome position (GRCh38, 1-based): chr2:151,570,084-151,570,088, GCTCT deleted on the plus strand (AGAGC on the coding strand, the reverse complement: NEB is on the minus strand); deleting any 5 consecutive bases within chr2:151,570,084-151,570,090 gives the same sequence; the c. name uses the placement nearest the transcript's 3' end. VCF-style (leftmost placement, unchanged base first): chr2-151570083-CGCTCT-C. GRCh37 (hg19) VCF-style: chr2-152426597-CGCTCT-C.
Other names: c.17423_17427del, p.Gln5808fs (NM_001164507.2, NM_001271208.2); c.12320_12324del, p.Gln4107fs (NM_004543.5); short protein forms Q4107fs, Q5808fs.
Identifiers: ClinVar variation 2854568 (VCV002854568.3), dbSNP rs2552195784, ClinGen allele CA2739271349.
Genomic context (GRCh38, chr2:151,570,083, plus strand): 5'-TCTCTGGAAGTCATGGCAAACTGAGAAAAGAGTTCAACCCCAAATGCAGCCCACTCACAT[CGCTCT>C]GCAGTTCGTAGGCCTTCTTGGCCTGAATCACATCGTTCTGGTCGGGCATGCAGGTCCACT-3'

ClinVar aggregate classification (germline): Pathogenic (1 of 4 stars; one submission).

Conditions:
Nemaline myopathy 2 (NEM2). Also called: Nemaline myopathy 2, autosomal recessive. Identifiers: MedGen C1850569, MONDO:0009725, OMIM 256030.

Submission:

Labcorp Genetics (formerly Invitae), Labcorp
Classification: Pathogenic for Nemaline myopathy 2. Last evaluated: 2023-04-10. Review status: criteria provided, single submitter. Criteria: Invitae Variant Classification Sherloc (09022015). Collection method: clinical testing. Allele origin: germline.
Comment: This sequence change creates a premature translational stop signal (p.Gln5808Argfs*2) in the NEB gene. It is expected to result in an absent or disrupted protein product. Loss-of-function variants in NEB are known to be pathogenic (PMID: 25205138). This variant is not present in population databases (gnomAD no frequency). This variant has not been reported in the literature in individuals affected with NEB-related conditions. For these reasons, this variant has been classified as Pathogenic.

Literature cited by the submitters: PubMed 25205138.